The following is an entry in ClinVar:

NM_019842.4(KCNQ5):c.626T>C (p.Val209Ala)

Gene: KCNQ5 (potassium voltage-gated channel subfamily Q member 5; plus strand). Cytogenetic location: 6q13.
Variant type: single nucleotide variant.
Coding change: c.626T>C on transcript NM_019842.4 (MANE Select); coding-DNA position 626, T replaced by C.
Protein change: p.Val209Ala; replaces valine 209 with alanine.
Molecular consequence: missense variant.
Genome position (GRCh38, 1-based): chr6:73,077,331, T>C. VCF-style: chr6-73077331-T-C. GRCh37 (hg19) VCF-style: chr6-73787054-T-C.
Other names: c.626T>C (NM_001160133.1); c.626T>C, p.Val209Ala (NM_001160130.2, NM_001160132.2, NM_001160133.2 and 1 more transcripts); short protein forms V209A.
Identifiers: ClinVar variation 1946442 (VCV001946442.6), dbSNP rs2533591264, ClinGen allele CA364826013.
Genomic context (GRCh38, chr6:73,077,331, plus strand): 5'-TAAAAATTCCTGGTCGTGCTAACTGTGGCTATTTCGACCTGTTTCTTTCAGATACCATTG[T>C]TCTTATCGCTTCAATAGCAGTTGTTTCTGCAAAAACTCAGGGTAATATTTTTGCCACGTC-3'
Protein context (NP_062816.2, residues 199-219): RKPFCVIDTI[Val209Ala]LIASIAVVSA

ClinVar aggregate classification (germline): Uncertain significance. Review status: criteria provided, multiple submitters, no conflicts (2 of 4 stars). 2 submissions from 2 submitters: Uncertain significance (2). Last evaluated 2023-06-30.

Submissions (2):

GeneDx
Classification: Uncertain significance. Last evaluated: 2023-06-30. Review status: criteria provided, single submitter. Criteria: GeneDx Variant Classification Process June 2021. Collection method: clinical testing. Allele origin: germline. Affected: yes.
Comment: Not observed at significant frequency in large population cohorts (gnomAD); In silico analysis supports that this missense variant has a deleterious effect on protein structure/function; Has not been previously published as pathogenic or benign to our knowledge

Labcorp Genetics (formerly Invitae), Labcorp
Classification: Uncertain significance. Last evaluated: 2022-06-22. Review status: criteria provided, single submitter. Criteria: Invitae Variant Classification Sherloc (09022015). Collection method: clinical testing. Allele origin: germline.
Comment: This variant has not been reported in the literature in individuals affected with KCNQ5-related conditions. Advanced modeling of protein sequence and biophysical properties (such as structural, functional, and spatial information, amino acid conservation, physicochemical variation, residue mobility, and thermodynamic stability) performed at Invitae indicates that this missense variant is expected to disrupt KCNQ5 protein function. In summary, the available evidence is currently insufficient to determine the role of this variant in disease. Therefore, it has been classified as a Variant of Uncertain Significance. This sequence change replaces valine, which is neutral and non-polar, with alanine, which is neutral and non-polar, at codon 209 of the KCNQ5 protein (p.Val209Ala). This variant is not present in population databases (gnomAD no frequency).